The following is an entry in ClinVar:

NM_006206.6(PDGFRA):c.1065_1066delinsGG (p.Leu356Val)

Gene: PDGFRA (platelet derived growth factor receptor alpha; plus strand). Cytogenetic location: 4q12.
Variant type: Indel.
Coding change: c.1065_1066delinsGG on transcript NM_006206.6 (MANE Select); coding-DNA positions 1065 to 1066, TC replaced by GG.
Protein change: p.Leu356Val; replaces leucine 356 with valine.
Molecular consequence: missense variant.
Genome position (GRCh38, 1-based): chr4:54,267,685-54,267,686, TC replaced by GG. VCF-style: chr4-54267685-TC-GG. GRCh37 (hg19) VCF-style: chr4-55133852-TC-GG.
Other names: c.1065_1066delinsGG, p.Leu356Val (NM_001347827.2, NM_001347829.2); c.1140_1141delinsGG, p.Leu381Val (NM_001347828.2); c.1104_1105delinsGG, p.Leu369Val (NM_001347830.2); short protein forms L369V, L356V, L381V.
Identifiers: ClinVar variation 856152 (VCV000856152.8), dbSNP rs1723118587, ClinGen allele CA916081447.

ClinVar aggregate classification (germline): Uncertain significance (1 of 4 stars; one submission).

Conditions:
Gastrointestinal stromal tumor. Also called: Gastrointestinal stromal tumor, somatic; Gastrointestinal stroma tumor. Identifiers: Orphanet 44890, MedGen C0238198, MeSH D046152, MONDO:0011719, OMIM 606764, HP:0100723.

Submission:

Labcorp Genetics (formerly Invitae), Labcorp
Classification: Uncertain significance for Gastrointestinal stromal tumor. Last evaluated: 2022-11-22. Review status: criteria provided, single submitter. Criteria: Invitae Variant Classification Sherloc (09022015). Collection method: clinical testing. Allele origin: germline.
Comment: In summary, the available evidence is currently insufficient to determine the role of this variant in disease. Therefore, it has been classified as a Variant of Uncertain Significance. Experimental studies and prediction algorithms are not available or were not evaluated, and the functional significance of this variant is currently unknown. ClinVar contains an entry for this variant (Variation ID: 856152). This variant has not been reported in the literature in individuals affected with PDGFRA-related conditions. Information on the frequency of this variant in the gnomAD database is not available, as this variant may be reported differently in the database. This sequence change replaces leucine, which is neutral and non-polar, with valine, which is neutral and non-polar, at codon 356 of the PDGFRA protein (p.Leu356Val).